The following is an entry in ClinVar:

NM_001267550.2(TTN):c.34062A>G (p.Glu11354=)

Gene: TTN (titin; minus strand). Cytogenetic location: 2q31.2.
Variant type: single nucleotide variant.
Coding change: c.34062A>G on transcript NM_001267550.2 (MANE Select); coding-DNA position 34062, A replaced by G.
Protein change: p.Glu11354=; no amino-acid change (glutamic acid 11354 retained).
Molecular consequence: synonymous variant. On other transcripts: intron variant (3).
Genome position (GRCh38, 1-based): chr2:178,677,850, T>C on the plus strand (A>G on the coding strand, the complement: TTN is on the minus strand). VCF-style: chr2-178677850-T-C. GRCh37 (hg19) VCF-style: chr2-179542577-T-C.
Other names: c.33111A>G, p.Glu11037= (NM_001256850.1); c.30330A>G, p.Glu10110= (NM_133378.4); c.13283-35533A>G (NM_003319.4); c.13859-35533A>G (NM_133437.4); c.13658-35533A>G (NM_133432.3).
Identifiers: ClinVar variation 332884 (VCV000332884.18), dbSNP rs886055281, ClinGen allele CA10613325.

ClinVar aggregate classification (germline): Conflicting classifications of pathogenicity. Review status: criteria provided, conflicting classifications (1 of 4 stars). 7 submissions from 3 submitters: Uncertain significance (5); Likely benign (2). Last evaluated 2026-01-12.

Conditions:
Dilated cardiomyopathy 1G (CMD1G). Identifiers: Orphanet 154, MedGen C1858763, MONDO:0011400, OMIM 604145.
Autosomal recessive limb-girdle muscular dystrophy type 2J (LGMDR10). Also called: MUSCULAR DYSTROPHY, LIMB-GIRDLE, AUTOSOMAL RECESSIVE 10; Limb-girdle muscular dystrophy, type 2J. Identifiers: Orphanet 140922, MedGen C1837342, MONDO:0012127, OMIM 608807.
Early-onset myopathy with fatal cardiomyopathy (CMYO5). Also called: CONGENITAL MYOPATHY 5 WITH CARDIOMYOPATHY; Salih Myopathy. Identifiers: Orphanet 289377, MedGen C2673677, MONDO:0012714, OMIM 611705. Disease mechanism: loss of function.
Myopathy, myofibrillar, 9, with early respiratory failure (MFM9). Also called: Myopathy, distal, with early respiratory failure, autosomal dominant; Hereditary myopathy with early respiratory failure; EDSTROM MYOPATHY; MYOPATHY, PROXIMAL, WITH EARLY RESPIRATORY MUSCLE INVOLVEMENT. Identifiers: Orphanet 178464, Orphanet 34521, MedGen C1863599, MONDO:0011362, OMIM 603689.
Tibial muscular dystrophy (TMD). Also called: Udd Distal Myopathy – Tibial Muscular Dystrophy; UDD MYOPATHY; Tibial muscular dystrophy, tardive. Identifiers: Orphanet 609, MedGen C1838244, MONDO:0010870, OMIM 600334.

Allele frequency attached by ClinVar (database versions not stated): gnomAD exomes below 0.00001; gnomAD 0.00001; TOPMed 0.00002.
gnomAD v4.1: 3 of 1,612,382 alleles (0.00019%); highest among the groups gnomAD compares: African/African-American, 0.004%; no homozygotes.

Submissions (7):

Labcorp Genetics (formerly Invitae), Labcorp
Classification: Likely benign for Dilated cardiomyopathy 1G; Autosomal recessive limb-girdle muscular dystrophy type 2J. Last evaluated: 2026-01-12. Review status: criteria provided, single submitter. Criteria: Invitae Variant Classification Sherloc (09022015). Collection method: clinical testing. Allele origin: germline.

Illumina Laboratory Services, Illumina
Classification: Uncertain significance for Myopathy, myofibrillar, 9, with early respiratory failure. Last evaluated: 2018-01-12. Review status: criteria provided, single submitter. Criteria: ICSL Variant Classification Criteria 13 December 2019. Collection method: clinical testing. Allele origin: germline.

Illumina Laboratory Services, Illumina
Classification: Uncertain significance for Dilated cardiomyopathy 1G. Last evaluated: 2018-01-12. Review status: criteria provided, single submitter. Criteria: ICSL Variant Classification Criteria 13 December 2019. Collection method: clinical testing. Allele origin: germline.

Illumina Laboratory Services, Illumina
Classification: Uncertain significance for Early-onset myopathy with fatal cardiomyopathy. Last evaluated: 2018-01-12. Review status: criteria provided, single submitter. Criteria: ICSL Variant Classification Criteria 13 December 2019. Collection method: clinical testing. Allele origin: germline.

Illumina Laboratory Services, Illumina
Classification: Uncertain significance for Tibial muscular dystrophy. Last evaluated: 2018-01-12. Review status: criteria provided, single submitter. Criteria: ICSL Variant Classification Criteria 13 December 2019. Collection method: clinical testing. Allele origin: germline.

Illumina Laboratory Services, Illumina
Classification: Uncertain significance for Autosomal recessive limb-girdle muscular dystrophy type 2J. Last evaluated: 2018-01-12. Review status: criteria provided, single submitter. Criteria: ICSL Variant Classification Criteria 13 December 2019. Collection method: clinical testing. Allele origin: germline.

GeneDx
Classification: Likely benign. Last evaluated: 2018-01-10. Review status: criteria provided, single submitter. Criteria: GeneDx Variant Classification (06012015). Collection method: clinical testing. Allele origin: germline. Affected: yes.
Comment: This variant is considered likely benign or benign based on one or more of the following criteria: it is a conservative change, it occurs at a poorly conserved position in the protein, it is predicted to be benign by multiple in silico algorithms, and/or has population frequency not consistent with disease.